The following is an entry in ClinVar:

ClinVar aggregate classification (germline): Uncertain significance (1 of 4 stars; one submission).

Conditions:
Combined immunodeficiency due to ORAI1 deficiency. Also called: IMMUNODEFICIENCY 9. Identifiers: Orphanet 169090, Orphanet 317428, MedGen C2748568, MONDO:0013007, OMIM 612782.
Myopathy, tubular aggregate, 2 (TAM2). Identifiers: MedGen C4014557, MONDO:0014383, OMIM 615883.

Submission:

Labcorp Genetics (formerly Invitae), Labcorp
Classification: Uncertain significance for Myopathy, tubular aggregate, 2; Combined immunodeficiency due to ORAI1 deficiency. Last evaluated: 2024-03-03. Review status: criteria provided, single submitter. Criteria: Invitae Variant Classification Sherloc (09022015). Collection method: clinical testing. Allele origin: germline.
Comment: This sequence change replaces leucine, which is neutral and non-polar, with glutamine, which is neutral and polar, at codon 248 of the ORAI1 protein (p.Leu248Gln). This variant is not present in population databases (gnomAD no frequency). This variant has not been reported in the literature in individuals affected with ORAI1-related conditions. Experimental studies and prediction algorithms are not available or were not evaluated, and the functional significance of this variant is currently unknown. In summary, the available evidence is currently insufficient to determine the role of this variant in disease. Therefore, it has been classified as a Variant of Uncertain Significance.

NC_000012.12:g.121641480T>A

Gene: ORAI1 (ORAI calcium release-activated calcium modulator 1; plus strand). Cytogenetic location: 12q24.31.
Variant type: single nucleotide variant.
Molecular consequence: non-coding transcript variant (on NR_186857.1).
Genome position: GRCh38 VCF-style: chr12-121641480-T-A. GRCh37 (hg19) VCF-style: chr12-122079386-T-A.
Identifiers: ClinVar variation 3749268 (VCV003749268.2).